The following is an entry in ClinVar:

NM_032638.5(GATA2):c.493C>T (p.His165Tyr)

Gene: GATA2 (GATA binding protein 2; minus strand). Cytogenetic location: 3q21.3.
Variant type: single nucleotide variant.
Coding change: c.493C>T on transcript NM_032638.5 (MANE Select); coding-DNA position 493, C replaced by T.
Protein change: p.His165Tyr; replaces histidine 165 with tyrosine.
Molecular consequence: missense variant.
Genome position (GRCh38, 1-based): chr3:128,486,105, G>A on the plus strand (C>T on the coding strand, the complement: GATA2 is on the minus strand). VCF-style: chr3-128486105-G-A. GRCh37 (hg19) VCF-style: chr3-128204948-G-A.
Other names: c.493C>T, p.His165Tyr (NM_001145661.2, NM_001145662.1); short protein forms H165Y.
Identifiers: ClinVar variation 2923959 (VCV002923959.3), dbSNP rs2472931246, ClinGen allele CA354406651.

ClinVar aggregate classification (germline): Uncertain significance (1 of 4 stars; one submission).

Conditions:
Deafness-lymphedema-leukemia syndrome. Also called: Lymphedema, primary, with myelodysplasia; Emberger syndrome. Identifiers: Orphanet 3226, MedGen C3279664, MONDO:0013540, OMIM 614038.
Monocytopenia with susceptibility to infections. Also called: MONOCYTOPENIA AND MYCOBACTERIAL INFECTION SYNDROME; MONOCYTOPENIA WITH SUSCEPTIBILITY TO MYCOBACTERIAL, FUNGAL, AND PAPILLOMAVIRUS INFECTIONS AND MYELODYSPLASIA; COMBINED IMMUNODEFICIENCY WITH SUSCEPTIBILITY TO MYCOBACTERIAL, VIRAL, AND FUNGAL INFECTIONS; Dendritic cell, monocyte, B lymphocyte, and natural killer lymphocyte deficiency; IMMUNODEFICIENCY 21; GATA2 DEFICIENCY. Identifiers: Orphanet 228423, MedGen C3280030, MONDO:0013607, OMIM 614172.

Allele frequency attached by ClinVar (database versions not stated): gnomAD exomes 0.00002.
gnomAD v4.1: 31 of 1,613,454 alleles (0.0019%); highest among the groups gnomAD compares: Non-Finnish European, 0.0026%; no homozygotes.

Submission:

Labcorp Genetics (formerly Invitae), Labcorp
Classification: Uncertain significance for Monocytopenia with susceptibility to infections; Deafness-lymphedema-leukemia syndrome. Last evaluated: 2023-12-10. Review status: criteria provided, single submitter. Criteria: Invitae Variant Classification Sherloc (09022015). Collection method: clinical testing. Allele origin: germline.
Comment: This sequence change replaces histidine, which is basic and polar, with tyrosine, which is neutral and polar, at codon 165 of the GATA2 protein (p.His165Tyr). This variant is not present in population databases (gnomAD no frequency). This variant has not been reported in the literature in individuals affected with GATA2-related conditions. Advanced modeling of protein sequence and biophysical properties (such as structural, functional, and spatial information, amino acid conservation, physicochemical variation, residue mobility, and thermodynamic stability) has been performed at Invitae for this missense variant, however the output from this modeling did not meet the statistical confidence thresholds required to predict the impact of this variant on GATA2 protein function. In summary, the available evidence is currently insufficient to determine the role of this variant in disease. Therefore, it has been classified as a Variant of Uncertain Significance.